The following is an entry in ClinVar:

ClinVar aggregate classification (germline): Uncertain significance (1 of 4 stars; one submission).

Conditions:
Hereditary cancer-predisposing syndrome. Also called: Tumor predisposition; Hereditary Cancer Syndrome; Hereditary neoplastic syndrome; Neoplastic Syndromes, Hereditary. Identifiers: Orphanet 140162, MedGen C0027672, MeSH D009386, MONDO:0015356.

Submission:

Ambry Genetics
Classification: Uncertain significance for Hereditary cancer-predisposing syndrome. Last evaluated: 2025-03-18. Review status: criteria provided, single submitter. Criteria: Ambry Variant Classification Scheme 2023. Collection method: clinical testing. Allele origin: germline.
Comment: The p.G313V variant (also known as c.938G>T), located in coding exon 6 of the PDGFRA gene, results from a G to T substitution at nucleotide position 938. The glycine at codon 313 is replaced by valine, an amino acid with dissimilar properties. This amino acid position is conserved. In addition, the in silico prediction for this alteration is inconclusive. Based on the available evidence, the clinical significance of this variant remains unclear.

NM_006206.6(PDGFRA):c.938G>T (p.Gly313Val)

Gene: PDGFRA (platelet derived growth factor receptor alpha; plus strand). Cytogenetic location: 4q12.
Variant type: single nucleotide variant.
Coding change: c.938G>T on transcript NM_006206.6 (MANE Select); coding-DNA position 938, G replaced by T.
Protein change: p.Gly313Val; replaces glycine 313 with valine.
Molecular consequence: missense variant.
Genome position (GRCh38, 1-based): chr4:54,267,558, G>T. VCF-style: chr4-54267558-G-T. GRCh37 (hg19) VCF-style: chr4-55133725-G-T.
Other names: c.938G>T, p.Gly313Val (NM_001347827.2, NM_001347829.2); c.1013G>T, p.Gly338Val (NM_001347828.2); c.977G>T, p.Gly326Val (NM_001347830.2); short protein forms G338V, G326V, G313V.
Identifiers: ClinVar variation 3305493 (VCV003305493.2).